The following is an entry in ClinVar:

ClinVar aggregate classification (germline): Uncertain significance. Review status: criteria provided, multiple submitters, no conflicts (2 of 4 stars). 3 submissions from 3 submitters: Uncertain significance (3). Last evaluated 2024-12-02.

Conditions:
Inborn genetic diseases. Identifiers: MedGen C0950123, MeSH D030342.

Allele frequency attached by ClinVar (database versions not stated): gnomAD 0.00002; TOPMed 0.00002; gnomAD exomes 0.00003; ExAC 0.00004.
gnomAD v4.1: 32 of 1,610,660 alleles (0.002%); highest among the groups gnomAD compares: Non-Finnish European, 0.0025%; no homozygotes.

Submissions (3):

Labcorp Genetics (formerly Invitae), Labcorp
Classification: Uncertain significance. Last evaluated: 2024-12-02. Review status: criteria provided, single submitter. Criteria: Invitae Variant Classification Sherloc (09022015). Collection method: clinical testing. Allele origin: germline.
Comment: This sequence change replaces valine, which is neutral and non-polar, with leucine, which is neutral and non-polar, at codon 69 of the ADAM9 protein (p.Val69Leu). This variant is present in population databases (rs775867251, gnomAD 0.006%). This variant has not been reported in the literature in individuals affected with ADAM9-related conditions. ClinVar contains an entry for this variant (Variation ID: 1367691). Invitae Evidence Modeling of protein sequence and biophysical properties (such as structural, functional, and spatial information, amino acid conservation, physicochemical variation, residue mobility, and thermodynamic stability) indicates that this missense variant is not expected to disrupt ADAM9 protein function with a negative predictive value of 80%. In summary, the available evidence is currently insufficient to determine the role of this variant in disease. Therefore, it has been classified as a Variant of Uncertain Significance.

Blueprint Genetics
Classification: Uncertain significance. Last evaluated: 2024-11-08. Review status: criteria provided, single submitter. Criteria: ACMG Guidelines, 2015. Collection method: clinical testing. Allele origin: germline.

Ambry Genetics
Classification: Uncertain significance for Inborn genetic diseases. Last evaluated: 2023-10-14. Review status: criteria provided, single submitter. Criteria: Ambry Variant Classification Scheme 2023. Collection method: clinical testing. Allele origin: germline.

NM_003816.3(ADAM9):c.205G>C (p.Val69Leu)

Gene: ADAM9 (ADAM metallopeptidase domain 9; plus strand). Cytogenetic location: 8p11.22.
Variant type: single nucleotide variant.
Coding change: c.205G>C on transcript NM_003816.3 (MANE Select); coding-DNA position 205, G replaced by C.
Protein change: p.Val69Leu; replaces valine 69 with leucine.
Molecular consequence: missense variant. On other transcripts: non-coding transcript variant (3).
Genome position (GRCh38, 1-based): chr8:39,011,667, G>C. VCF-style: chr8-39011667-G-C. GRCh37 (hg19) VCF-style: chr8-38869186-G-C.
Other names: c.205G>C (NM_003816.2); short protein forms V69L.
Identifiers: ClinVar variation 1367691 (VCV001367691.9), dbSNP rs775867251, ClinGen allele CA4721245.
Genomic context (GRCh38, chr8:39,011,667, plus strand): 5'-AAAGTAATTTTTAAGATGATGTTTTATTCTTTTCCCCTTCTGTGCATTTAGGTATCTTAT[G>C]TTATTCAGGCTGAAGGAAAAGAGCATATTATTCACTTGGAAAGGAACAAGTAAGACATTT-3'
Protein context (NP_003807.1, residues 59-79): PRPYSKQVSY[Val69Leu]IQAEGKEHII